The following is an entry in ClinVar:

NM_015338.6(ASXL1):c.2509A>G (p.Met837Val)

Gene: ASXL1 (ASXL transcriptional regulator 1; plus strand). Cytogenetic location: 20q11.21.
Variant type: single nucleotide variant.
Coding change: c.2509A>G on transcript NM_015338.6 (MANE Select); coding-DNA position 2509, A replaced by G.
Protein change: p.Met837Val; replaces methionine 837 with valine.
Molecular consequence: missense variant.
Genome position (GRCh38, 1-based): chr20:32,435,221, A>G. VCF-style: chr20-32435221-A-G. GRCh37 (hg19) VCF-style: chr20-31023024-A-G.
Other names: c.2326A>G, p.Met776Val (NM_001363734.1); short protein forms M776V, M837V.
Identifiers: ClinVar variation 3957745 (VCV003957745.1).

ClinVar aggregate classification (germline): Uncertain significance (1 of 4 stars; one submission).

Conditions:
Inborn genetic diseases. Identifiers: MedGen C0950123, MeSH D030342.

gnomAD v4.1: 3 of 1,614,050 alleles (0.00019%); highest among the groups gnomAD compares: Middle Eastern, 0.016%; no homozygotes.

Submission:

Ambry Genetics
Classification: Uncertain significance for Inborn genetic diseases. Last evaluated: 2025-06-09. Review status: criteria provided, single submitter. Criteria: Ambry Variant Classification Scheme 2023. Collection method: clinical testing. Allele origin: germline.
Comment: The p.M837V variant (also known as c.2509A>G), located in coding exon 13 of the ASXL1 gene, results from an A to G substitution at nucleotide position 2509. The methionine at codon 837 is replaced by valine, an amino acid with highly similar properties. This amino acid position is conserved. In addition, this alteration is predicted to be tolerated by in silico analysis. Based on the available evidence, the clinical significance of this variant remains unclear.